The following is an entry in ClinVar:

ClinVar aggregate classification (germline): Uncertain significance. Review status: criteria provided, multiple submitters, no conflicts (2 of 4 stars). 2 submissions from 2 submitters: Uncertain significance (2). Last evaluated 2025-08-30.

Conditions:
Leber congenital amaurosis 17 (LCA17). Identifiers: Orphanet 65, MedGen C3715164, MONDO:0014145, OMIM 615360.
Microphthalmia, isolated, with coloboma 6 (MCOPCB6). Also called: Microphthalmia with coloboma 6, digenic; Microphthalmia with coloboma 6; MICROPHTHALMIA/COLOBOMA 6. Identifiers: Orphanet 98938, MedGen C3150968, MONDO:0013376, OMIM 613703.
Isolated microphthalmia 4. Identifiers: Orphanet 2542, MedGen C2751307, MONDO:0013130, OMIM 613094.
Klippel-Feil syndrome 1, autosomal dominant (KFS1). Also called: CERVICAL VERTEBRAL FUSION, AUTOSOMAL DOMINANT. Identifiers: Orphanet 2345, MedGen C1861689, MONDO:0007306, OMIM 118100.
Inborn genetic diseases. Identifiers: MedGen C0950123, MeSH D030342.

Allele frequency attached by ClinVar (database versions not stated): gnomAD exomes below 0.00001 and 0.00001; ExAC 0.00001; gnomAD 0.00002; TOPMed 0.00002.
gnomAD v4.1: 7 of 1,613,758 alleles (0.00043%); highest among the groups gnomAD compares: African/African-American, 0.008%; no homozygotes.

Submissions (2):

Ambry Genetics
Classification: Uncertain significance for Inborn genetic diseases. Last evaluated: 2025-08-30. Review status: criteria provided, single submitter. Criteria: Ambry Variant Classification Scheme 2023. Collection method: clinical testing. Allele origin: germline.

Labcorp Genetics (formerly Invitae), Labcorp
Classification: Uncertain significance for Isolated microphthalmia 4; Leber congenital amaurosis 17; Klippel-Feil syndrome 1, autosomal dominant; Microphthalmia, isolated, with coloboma 6. Last evaluated: 2024-10-24. Review status: criteria provided, single submitter. Criteria: Invitae Variant Classification Sherloc (09022015). Collection method: clinical testing. Allele origin: germline.
Comment: This sequence change replaces proline, which is neutral and non-polar, with serine, which is neutral and polar, at codon 85 of the GDF6 protein (p.Pro85Ser). This variant is present in population databases (rs766458579, gnomAD 0.01%). This variant has not been reported in the literature in individuals affected with GDF6-related conditions. ClinVar contains an entry for this variant (Variation ID: 958860). Invitae Evidence Modeling of protein sequence and biophysical properties (such as structural, functional, and spatial information, amino acid conservation, physicochemical variation, residue mobility, and thermodynamic stability) indicates that this missense variant is not expected to disrupt GDF6 protein function with a negative predictive value of 80%. In summary, the available evidence is currently insufficient to determine the role of this variant in disease. Therefore, it has been classified as a Variant of Uncertain Significance.

NM_001001557.4(GDF6):c.253C>T (p.Pro85Ser)

Gene: GDF6 (growth differentiation factor 6; minus strand). Cytogenetic location: 8q22.1.
Variant type: single nucleotide variant.
Coding change: c.253C>T on transcript NM_001001557.4 (MANE Select); coding-DNA position 253, C replaced by T.
Protein change: p.Pro85Ser; replaces proline 85 with serine.
Molecular consequence: missense variant.
Genome position (GRCh38, 1-based): chr8:96,160,440, G>A on the plus strand (C>T on the coding strand, the complement: GDF6 is on the minus strand). VCF-style: chr8-96160440-G-A. GRCh37 (hg19) VCF-style: chr8-97172668-G-A.
Other names: short protein forms P85S.
Identifiers: ClinVar variation 958860 (VCV000958860.9), dbSNP rs766458579, ClinGen allele CA4815518.
Genomic context (GRCh38, chr8:96,160,440, plus strand): 5'-AAGTCCTGTAGATTGACAGCATGTACTCGTGGGGCACCACGCGCGGACCCCTGCCTGGCG[G>A]CTCCTGCGCCCGGGGCTGCTGAGCCCGGGGTTCGTCCTGAGGCCGCGGCTGTGGTTCCTG-3'
Protein context (NP_001001557.1, residues 75-95): PRAQQPRAQE[Pro85Ser]PGRGPRVVPH